The following is an entry in ClinVar:

NM_198503.5(KCNT2):c.815T>C (p.Ile272Thr)

Gene: KCNT2 (potassium sodium-activated channel subfamily T member 2; minus strand). Cytogenetic location: 1q31.3.
Variant type: single nucleotide variant.
Coding change: c.815T>C on transcript NM_198503.5 (MANE Select); coding-DNA position 815, T replaced by C.
Protein change: p.Ile272Thr; replaces isoleucine 272 with threonine.
Molecular consequence: missense variant. On other transcripts: non-coding transcript variant (2).
Genome position (GRCh38, 1-based): chr1:196,429,581, A>G on the plus strand (T>C on the coding strand, the complement: KCNT2 is on the minus strand). VCF-style: chr1-196429581-A-G. GRCh37 (hg19) VCF-style: chr1-196398711-A-G.
Other names: c.815T>C, p.Ile272Thr (NM_001287819.3, NM_001287820.3); short protein forms I272T.
Identifiers: ClinVar variation 2500405 (VCV002500405.2), dbSNP rs2528169948, ClinGen allele CA344080850.

ClinVar aggregate classification (germline): Uncertain significance (1 of 4 stars; one submission).

Submission:

GeneDx
Classification: Uncertain significance. Last evaluated: 2024-10-30. Review status: criteria provided, single submitter. Criteria: GeneDx Variant Classification Process June 2021. Collection method: clinical testing. Allele origin: germline.
Comment: Not observed at significant frequency in large population cohorts (gnomAD); In silico analysis supports that this missense variant does not alter protein structure/function; Has not been previously published as pathogenic or benign to our knowledge